The following is an entry in ClinVar:

NM_016284.5(CNOT1):c.6967C>A (p.Leu2323Ile)

Genes: SETD6 (SET domain containing 6, protein lysine methyltransferase; plus strand), CNOT1 (CCR4-NOT transcription complex subunit 1; minus strand). Cytogenetic location: 16q21.
Variant type: single nucleotide variant.
Coding change: c.6967C>A on transcript NM_016284.5 (MANE Select); coding-DNA position 6967, C replaced by A.
Protein change: p.Leu2323Ile; replaces leucine 2323 with isoleucine.
Molecular consequence: missense variant. On other transcripts: non-coding transcript variant (1), 3 prime UTR variant (1).
Genome position (GRCh38, 1-based): chr16:58,521,268, G>T on the plus strand (C>A on the coding strand, the complement: CNOT1 is on the minus strand). VCF-style: chr16-58521268-G-T. GRCh37 (hg19) VCF-style: chr16-58555172-G-T.
Other names: c.*2239G>T (NM_001160305.4); c.6952C>A, p.Leu2318Ile (NM_001265612.2); c.6967C>A (NM_016284.4); short protein forms L2318I, L2323I.
Identifiers: ClinVar variation 3777095 (VCV003777095.1).

ClinVar aggregate classification (germline): Uncertain significance (1 of 4 stars; one submission).

Conditions:
Vissers-Bodmer syndrome. Identifiers: MedGen C5436647, MONDO:0033618, OMIM 619033.

Submission:

University of Washington Department of Laboratory Medicine, University of Washington
Classification: Uncertain significance for Vissers-Bodmer syndrome. Last evaluated: 2023-06-16. Review status: criteria provided, single submitter. Criteria: ACMG Guidelines, 2015. Collection method: clinical testing. Allele origin: unknown. Affected: yes.
Comment: The p.Leu2323Ile variant in the CNOT1 gene has not been previously reported in association with disease and was absent from large population databases, including the Genome Aggregation Database. However, a different amino acid change at this residue (p.Leu2323Phe) has been previously reported de novo in an individual from a large neurodevelopmental disorders cohort (Deciphering Developmental Disorders Study 2017, Kosmicki 2017, Turner 2019), suggesting that this residue is sensitive to variation. The CNOT1 gene has fewer missense variants in the general population than expected. A low rate of missense variation may suggest that this gene is intolerant to missense variation. In silico tools do not consistently predict if the p.Leu2323Ile variant impacts protein function; however, these predictions have not been tested directly. Using ACMG guidelines, this variant was classified as a variant of uncertain significance (ACMG evidence codes used: PM5, PM2_supporting, PP2).